The following is an entry in ClinVar:

NM_001267550.2(TTN):c.51382G>A (p.Gly17128Ser)

Genes: TTN (titin; minus strand), TTN-AS1 (TTN antisense RNA 1; plus strand). Cytogenetic location: 2q31.2.
Variant type: single nucleotide variant.
Coding change: c.51382G>A on transcript NM_001267550.2 (MANE Select); coding-DNA position 51382, G replaced by A.
Protein change: p.Gly17128Ser; replaces glycine 17128 with serine.
Molecular consequence: missense variant.
Genome position (GRCh38, 1-based): chr2:178,610,144, C>T on the plus strand (G>A on the coding strand, the complement: TTN is on the minus strand). VCF-style: chr2-178610144-C-T. GRCh37 (hg19) VCF-style: chr2-179474871-C-T.
Other names: c.46459G>A, p.Gly15487Ser (NM_001256850.1); c.24187G>A, p.Gly8063Ser (NM_003319.4); c.43678G>A, p.Gly14560Ser (NM_133378.4); c.24562G>A, p.Gly8188Ser (NM_133432.3); c.24763G>A, p.Gly8255Ser (NM_133437.4); short protein forms G14560S, G15487S, G8255S, G17128S, G8063S, G8188S.
Identifiers: ClinVar variation 1790962 (VCV001790962.2), dbSNP rs2470426242, ClinGen allele CA349586285.
Genomic context (GRCh38, chr2:178,610,144, plus strand): 5'-ACTTACGCTTTGGATCTTGAGCAATGACTGGATTTTTCAGTTCAATATATTCTCCTCCAC[C>T]AACCTTGTTGACTGCTTTAACACGGAAGAAGTATTCACCATTTGGTATGAGATCCTTCAC-3'
Protein context (NP_001254479.2, residues 17118-17138): FFRVKAVNKV[Gly17128Ser]GGEYIELKNP

ClinVar aggregate classification (germline): Uncertain significance (1 of 4 stars; one submission).

Conditions:
Cardiovascular phenotype. Identifiers: MedGen CN230736.

Submission:

Ambry Genetics
Classification: Uncertain significance for Cardiovascular phenotype. Last evaluated: 2020-09-04. Review status: criteria provided, single submitter. Criteria: Ambry Variant Classification Scheme 2023. Collection method: clinical testing. Allele origin: germline.
Comment: The p.G8063S variant (also known as c.24187G>A), located in coding exon 98 of the TTN gene, results from a G to A substitution at nucleotide position 24187. The glycine at codon 8063 is replaced by serine, an amino acid with similar properties. This amino acid position is highly conserved in available vertebrate species. In addition, the in silico prediction for this alteration is inconclusive. Since supporting evidence is limited at this time, the clinical significance of this alteration remains unclear.